The following is an entry in ClinVar:

ClinVar aggregate classification (germline): Uncertain significance (1 of 4 stars; one submission).

Submission:

Labcorp Genetics (formerly Invitae), Labcorp
Classification: Uncertain significance. Last evaluated: 2025-06-23. Review status: criteria provided, single submitter. Criteria: Invitae Variant Classification Sherloc (09022015). Collection method: clinical testing. Allele origin: germline.
Comment: This sequence change replaces glutamic acid, which is acidic and polar, with glycine, which is neutral and non-polar, at codon 653 of the MECOM protein (p.Glu653Gly). This variant is not present in population databases (gnomAD no frequency). This variant has not been reported in the literature in individuals affected with MECOM-related conditions. ClinVar contains an entry for this variant (Variation ID: 2010582). An algorithm developed to predict the effect of missense changes on protein structure and function (PolyPhen-2) suggests that this variant is likely to be disruptive. In summary, the available evidence is currently insufficient to determine the role of this variant in disease. Therefore, it has been classified as a Variant of Uncertain Significance.

NM_004991.4(MECOM):c.2522A>G (p.Glu841Gly)

Gene: MECOM (MDS1 and EVI1 complex locus; minus strand). Cytogenetic location: 3q26.2.
Variant type: single nucleotide variant.
Coding change: c.2522A>G on transcript NM_004991.4 (MANE Select); coding-DNA position 2522, A replaced by G.
Protein change: p.Glu841Gly; replaces glutamic acid 841 with glycine.
Molecular consequence: missense variant.
Genome position (GRCh38, 1-based): chr3:169,112,842, T>C on the plus strand (A>G on the coding strand, the complement: MECOM is on the minus strand). VCF-style: chr3-169112842-T-C. GRCh37 (hg19) VCF-style: chr3-168830630-T-C.
Other names: c.2153A>G, p.Glu718Gly (NM_001105077.4); c.1958A>G, p.Glu653Gly (NM_001105078.4, NM_005241.4, NM_001164000.2 and 4 more transcripts); c.1961A>G, p.Glu654Gly (NM_001163999.2, NM_001366467.2, NM_001366468.2 and 1 more transcripts); c.986A>G, p.Glu329Gly (NM_001366474.2); c.2522A>G, p.Glu841Gly (NM_001366466.2); c.1550A>G, p.Glu517Gly (NM_001366473.2); short protein forms E653G, E841G, E517G, E654G, E718G, E329G.
Identifiers: ClinVar variation 2010582 (VCV002010582.4), dbSNP rs1409123261, ClinGen allele CA355082956.
Genomic context (GRCh38, chr3:169,112,842, plus strand): 5'-CTTACTTGTGGGTGAAACAAGAATCCTGGAGAAGGCCTCAAGTATTTCTCTTTTAAAGCT[T>C]CAAGTGGGTCAGTTAGTTTTCTTTTCTCTACTCTGAAAGGTTAAAATTAGATTTTGGAGA-3'
Protein context (NP_004982.2, residues 831-851): VEKRKLTDPL[Glu841Gly]ALKEKYLRPS